The following is an entry in ClinVar:

ClinVar aggregate classification (germline): Uncertain significance (1 of 4 stars; one submission).

Submission:

Labcorp Genetics (formerly Invitae), Labcorp
Classification: Uncertain significance. Last evaluated: 2022-06-20. Review status: criteria provided, single submitter. Criteria: Invitae Variant Classification Sherloc (09022015). Collection method: clinical testing. Allele origin: germline.
Comment: This sequence change replaces valine, which is neutral and non-polar, with leucine, which is neutral and non-polar, at codon 510 of the GPR179 protein (p.Val510Leu). This variant is not present in population databases (gnomAD no frequency). This variant has not been reported in the literature in individuals affected with GPR179-related conditions. Algorithms developed to predict the effect of missense changes on protein structure and function (SIFT, PolyPhen-2, Align-GVGD) all suggest that this variant is likely to be tolerated. In summary, the available evidence is currently insufficient to determine the role of this variant in disease. Therefore, it has been classified as a Variant of Uncertain Significance.

NM_001004334.4(GPR179):c.1528G>T (p.Val510Leu)

Gene: GPR179 (G protein-coupled receptor 179; minus strand). Cytogenetic location: 17q12.
Variant type: single nucleotide variant.
Coding change: c.1528G>T on transcript NM_001004334.4 (MANE Select); coding-DNA position 1528, G replaced by T.
Protein change: p.Val510Leu; replaces valine 510 with leucine.
Molecular consequence: missense variant.
Genome position (GRCh38, 1-based): chr17:38,335,150, C>A on the plus strand (G>T on the coding strand, the complement: GPR179 is on the minus strand). VCF-style: chr17-38335150-C-A. GRCh37 (hg19) VCF-style: chr17-36491033-C-A.
Other names: short protein forms V510L.
Identifiers: ClinVar variation 2008689 (VCV002008689.4), dbSNP rs146044193, ClinGen allele CA398886681.
Genomic context (GRCh38, chr17:38,335,150, plus strand): 5'-TGGGAGTGTGGCCTCGGATCACCAGAGGTGCGTGCTGGATGCCTCGCTCCAGGGCGCCCA[C>A]GGTCCACACAGCCAGGAAGCCCAGCACAGGTAGCAGGAGCAGCCCCAGGTGCCGCAGCAG-3'
Protein context (NP_001004334.3, residues 500-520): PVLGFLAVWT[Val510Leu]GALERGIQHA